The following is an entry in ClinVar:

ClinVar aggregate classification (germline): Benign/Likely benign. Review status: criteria provided, multiple submitters, no conflicts (2 of 4 stars). 5 submissions from 5 submitters: Benign (2); Likely benign (3). Last evaluated 2026-01-28.

Conditions:
FLNB-Related Spectrum Disorders.

Allele frequency attached by ClinVar (database versions not stated): gnomAD exomes 0.00045 and 0.00117; ExAC 0.00153; gnomAD 0.00455 and 0.00488; TOPMed 0.00493; 1000 Genomes Project 0.00499; ESP Exome Variant Server 0.00554; 1000 Genomes Project 30x 0.00609.
gnomAD v4.1: 1,380 of 1,614,208 alleles (0.085%); highest among the groups gnomAD compares: African/African-American, 1.6%; 13 homozygotes.

Submissions (6):

Labcorp Genetics (formerly Invitae), Labcorp
Classification: Benign. Last evaluated: 2026-01-28. Review status: criteria provided, single submitter. Criteria: Invitae Variant Classification Sherloc (09022015). Collection method: clinical testing. Allele origin: germline.

ARUP Laboratories, Molecular Genetics and Genomics, ARUP Laboratories
Classification: Likely benign. Last evaluated: 2019-11-07. Review status: criteria provided, single submitter. Criteria: ARUP Molecular Germline Variant Investigation Process. Collection method: clinical testing. Allele origin: germline.

Illumina Laboratory Services, Illumina
Classification: Likely benign for FLNB-Related Spectrum Disorders. Last evaluated: 2018-01-13. Review status: criteria provided, single submitter. Criteria: ICSL Variant Classification Criteria 13 December 2019. Collection method: clinical testing. Allele origin: germline.
Comment: This variant was observed in the ICSL laboratory as part of a predisposition screen in an ostensibly healthy population. It had not been previously curated by ICSL or reported in the Human Gene Mutation Database (HGMD: prior to June 1st, 2018), and was therefore a candidate for classification through an automated scoring system. Utilizing variant allele frequency, disease prevalence and penetrance estimates, and inheritance mode, an automated score was calculated to assess if this variant is too frequent to cause the disease. Based on the score and internal cut-off values, a variant classified as likely benign is not then subjected to further curation. The score for this variant resulted in a classification of likely benign for this disease.

GeneDx
Classification: Benign. Last evaluated: 2017-03-28. Review status: criteria provided, single submitter. Criteria: GeneDx Variant Classification (06012015). Collection method: clinical testing. Allele origin: germline. Affected: yes.
Comment: This variant is considered likely benign or benign based on one or more of the following criteria: it is a conservative change, it occurs at a poorly conserved position in the protein, it is predicted to be benign by multiple in silico algorithms, and/or has population frequency not consistent with disease.

Breakthrough Genomics
Classification: Likely benign. Review status: criteria provided, single submitter. Criteria: ACMG Guidelines, 2015. Collection method: not provided. Allele origin: germline. Inheritance: Autosomal recessive inheritance. Affected: yes.

Dr. Peter K. Rogan Lab, Western University
No classification provided (evidence only). Condition: Thyroid cancer, nonmedullary, 1. Review status: no classification provided. Collection method: in vitro. Allele origin: not applicable. Functional consequence: retained intron. Not counted in ClinVar's aggregate classification.

NM_001457.4(FLNB):c.7099G>A (p.Val2367Ile)

Genes: FLNB (filamin B; plus strand), FLNB-AS1 (FLNB antisense RNA 1; minus strand). Cytogenetic location: 3p14.3.
Variant type: single nucleotide variant.
Coding change: c.7099G>A on transcript NM_001457.4 (MANE Select); coding-DNA position 7099, G replaced by A.
Protein change: p.Val2367Ile; replaces valine 2367 with isoleucine.
Molecular consequence: missense variant. On other transcripts: non-coding transcript variant (1).
Genome position (GRCh38, 1-based): chr3:58,163,231, G>A. VCF-style: chr3-58163231-G-A. GRCh37 (hg19) VCF-style: chr3-58148958-G-A.
Other names: c.7192G>A, p.Val2398Ile (NM_001164317.2); c.7066G>A, p.Val2356Ile (NM_001164318.2); c.7027G>A, p.Val2343Ile (NM_001164319.2); short protein forms V2367I, V2398I, V2343I, V2356I.
Identifiers: ClinVar variation 346363 (VCV000346363.25), dbSNP rs115747856, ClinGen allele CA2469601.